The following is an entry in ClinVar:

NM_000536.4(RAG2):c.1564C>T (p.Leu522Phe)

Gene: RAG2 (recombination activating 2; minus strand). Cytogenetic location: 11p12.
Variant type: single nucleotide variant.
Coding change: c.1564C>T on transcript NM_000536.4 (MANE Select); coding-DNA position 1564, C replaced by T.
Protein change: p.Leu522Phe; replaces leucine 522 with phenylalanine.
Molecular consequence: missense variant.
Genome position (GRCh38, 1-based): chr11:36,592,605, G>A on the plus strand (C>T on the coding strand, the complement: RAG2 is on the minus strand). VCF-style: chr11-36592605-G-A. GRCh37 (hg19) VCF-style: chr11-36614155-G-A.
Other names: c.1564C>T, p.Leu522Phe (NM_001243785.2, NM_001243786.2); short protein forms L522F.
Identifiers: ClinVar variation 1001151 (VCV001001151.7), dbSNP rs1169944983, ClinGen allele CA380140089.
Genomic context (GRCh38, chr11:36,592,605, plus strand): 5'-AAAAATTCCATACACCTGAATCTGAAAGGCTTTTGCAAAACTAATCAAACAACCTTCTAA[G>A]AAAGGATTTCTTGGCAGGAGTCAAGATTTTTCCAGAACCTTTTTTACGGAGGGATTTCAT-3'
Protein context (NP_000527.2, residues 512-527): KILTPAKKSF[Leu522Phe]RRLFD

ClinVar aggregate classification (germline): Uncertain significance. Review status: criteria provided, single submitter (1 of 4 stars). 2 submissions from 2 submitters: Uncertain significance (1). 1 of the submissions does not count toward it. Last evaluated 2021-08-28.

Conditions:
Severe combined immunodeficiency, autosomal recessive, T cell-negative, B cell-negative, NK cell-positive. Also called: SCID, T CELL-NEGATIVE, B CELL-NEGATIVE, NK CELL-POSITIVE; Severe combined immunodeficiency due to complete RAG1/2 deficiency; SCID, AR, T-cell negative, B-cell negative, NK cell-positive. Identifiers: Orphanet 331206, MedGen C1832322, MONDO:0011086, OMIM 601457.
Combined immunodeficiency with skin granulomas. Identifiers: Orphanet 157949, MedGen C2673536, MONDO:0009306, OMIM 233650.
Histiocytic medullary reticulosis. Also called: SEVERE COMBINED IMMUNODEFICIENCY WITH HYPEREOSINOPHILIA; Omenn syndrome. Identifiers: Orphanet 39041, MedGen C2700553, MONDO:0011338, OMIM 603554.

Allele frequency attached by ClinVar (database versions not stated): TOPMed below 0.00001.

Submissions (2):

Labcorp Genetics (formerly Invitae), Labcorp
Classification: Uncertain significance for Combined immunodeficiency with skin granulomas; Severe combined immunodeficiency, autosomal recessive, T cell-negative, B cell-negative, NK cell-positive. Last evaluated: 2021-08-28. Review status: criteria provided, single submitter. Criteria: Invitae Variant Classification Sherloc (09022015). Collection method: clinical testing. Allele origin: germline.
Comment: This sequence change replaces leucine with phenylalanine at codon 522 of the RAG2 protein (p.Leu522Phe). The leucine residue is highly conserved and there is a small physicochemical difference between leucine and phenylalanine. This variant is not present in population databases (ExAC no frequency). This variant has not been reported in the literature in individuals affected with RAG2-related conditions. Algorithms developed to predict the effect of missense changes on protein structure and function output the following: SIFT: "Tolerated"; PolyPhen-2: "Benign"; Align-GVGD: "Class C0". The phenylalanine amino acid residue is found in multiple mammalian species, which suggests that this missense change does not adversely affect protein function. In summary, the available evidence is currently insufficient to determine the role of this variant in disease. Therefore, it has been classified as a Variant of Uncertain Significance.

Natera, Inc.
Classification: Uncertain significance for Omenn syndrome. Last evaluated: 2020-11-17. Review status: no assertion criteria provided. Collection method: clinical testing. Allele origin: germline. Not counted in ClinVar's aggregate classification.